The following is an entry in ClinVar:

ClinVar aggregate classification (germline): Likely benign. Review status: criteria provided, single submitter (1 of 4 stars). 2 submissions from 2 submitters: Likely benign (1). 1 of the submissions does not count toward it. Last evaluated 2026-01-11.

Conditions:
ETV6-related disorder. Also called: ETV6-related condition.

Allele frequency attached by ClinVar (database versions not stated): gnomAD exomes below 0.00001.
gnomAD v4.1: 2 of 1,614,026 alleles (0.00012%); highest among the groups gnomAD compares: Admixed American, 0.0017%; no homozygotes.

Submissions (2):

Labcorp Genetics (formerly Invitae), Labcorp
Classification: Likely benign. Last evaluated: 2026-01-11. Review status: criteria provided, single submitter. Criteria: Invitae Variant Classification Sherloc (09022015). Collection method: clinical testing. Allele origin: germline.

PreventionGenetics, part of Exact Sciences
Classification: Likely benign for ETV6-related condition. Last evaluated: 2019-11-12. Review status: no assertion criteria provided. Collection method: clinical testing. Allele origin: germline. Not counted in ClinVar's aggregate classification.
Comment: This variant is classified as likely benign based on ACMG/AMP sequence variant interpretation guidelines (Richards et al. 2015 PMID: 25741868, with internal and published modifications).

NM_001987.5(ETV6):c.329-9T>C

Gene: ETV6 (ETS variant transcription factor 6; plus strand). Cytogenetic location: 12p13.2.
Variant type: single nucleotide variant.
Coding change: c.329-9T>C on transcript NM_001987.5 (MANE Select); 9 bases into the intron before coding-DNA position 329, T replaced by C.
Molecular consequence: intron variant.
Genome position (GRCh38, 1-based): chr12:11,853,418, T>C. VCF-style: chr12-11853418-T-C. GRCh37 (hg19) VCF-style: chr12-12006352-T-C.
Other names: c.302-9T>C (NM_001413914.1); c.329-9T>C (NM_001413917.1, NM_001413916.1); c.326-9T>C (NM_001413913.1); c.65-9T>C (NM_001413915.1).
Identifiers: ClinVar variation 3046118 (VCV003046118.3), dbSNP rs1350209920, ClinGen allele CA603423188.